The following is an entry in ClinVar:

NM_001244008.2(KIF1A):c.444G>T (p.Glu148Asp)

Gene: KIF1A (kinesin family member 1A; minus strand). Cytogenetic location: 2q37.3.
Variant type: single nucleotide variant.
Coding change: c.444G>T on transcript NM_001244008.2 (MANE Select); coding-DNA position 444, G replaced by T.
Protein change: p.Glu148Asp; replaces glutamic acid 148 with aspartic acid.
Molecular consequence: missense variant.
Genome position (GRCh38, 1-based): chr2:240,786,499, C>A on the plus strand (G>T on the coding strand, the complement: KIF1A is on the minus strand). VCF-style: chr2-240786499-C-A. GRCh37 (hg19) VCF-style: chr2-241725916-C-A.
Other names: c.444G>T, p.Glu148Asp (NM_001320705.2, NM_001330289.2, NM_001330290.2 and 20 more transcripts); short protein forms E148D.
Identifiers: ClinVar variation 974915 (VCV000974915.1), dbSNP rs2054763570, ClinGen allele CA351307119.

ClinVar aggregate classification (germline): Likely pathogenic (1 of 4 stars; one submission).

Conditions:
Intellectual disability, autosomal dominant 9 (NESCAVS). Also called: NESCAV SYNDROME; KIF1A-Related Neurodevelopmental Disorder. Identifiers: Orphanet 662367, MedGen C5393830, MONDO:0013656, OMIM 614255.

Submission:

SIB Swiss Institute of Bioinformatics
Classification: Likely pathogenic for Intellectual disability, autosomal dominant 9. Last evaluated: 2020-06-15. Review status: criteria provided, single submitter. Criteria: ACMG Guidelines, 2015. Collection method: curation. Allele origin: unknown.
Comment: This variant is interpreted as likely pathogenic for NESCAV syndrome, autosomal dominant. The following ACMG Tag(s) were applied: Absent from controls (or at extremely low frequency if recessive) in Exome Sequencing Project, 1000 Genomes Project, or Exome Aggregation Consortium (PM2); De novo (paternity and maternity confirmed) (PS2); Multiple lines of computational evidence support a deleterious effect on the gene or gene product (PP3); Missense variant in a gene that has a low rate of benign missense variation and in which missense variants are a common mechanism of disease (PP2).

Literature cited by the submitters: PubMed 26354034.